The following is an entry in ClinVar:

ClinVar aggregate classification (germline): Uncertain significance (1 of 4 stars; one submission).

gnomAD v4.1: 1 of 1,611,494 alleles (0.000062%); highest among the groups gnomAD compares: South Asian, 0.0011%; no homozygotes.

Submission:

GeneDx
Classification: Uncertain significance. Last evaluated: 2025-06-02. Review status: criteria provided, single submitter. Criteria: GeneDx Variant Classification Process June 2021. Collection method: clinical testing. Allele origin: germline. Affected: yes.
Comment: Not observed at significant frequency in large population cohorts (gnomAD); In silico analysis supports that this missense variant has a deleterious effect on protein structure/function; Has not been previously published as pathogenic or benign to our knowledge

NM_001792.5(CDH2):c.1675T>G (p.Leu559Val)

Gene: CDH2 (cadherin 2; minus strand). Cytogenetic location: 18q12.1.
Variant type: single nucleotide variant.
Coding change: c.1675T>G on transcript NM_001792.5 (MANE Select); coding-DNA position 1675, T replaced by G.
Protein change: p.Leu559Val; replaces leucine 559 with valine.
Molecular consequence: missense variant.
Genome position (GRCh38, 1-based): chr18:27,988,590, A>C on the plus strand (T>G on the coding strand, the complement: CDH2 is on the minus strand). VCF-style: chr18-27988590-A-C. GRCh37 (hg19) VCF-style: chr18-25568554-A-C.
Other names: c.1582T>G, p.Leu528Val (NM_001308176.2); short protein forms L528V, L559V.
Identifiers: ClinVar variation 4536510 (VCV004536510.1).